The following is an entry in ClinVar:

NM_176824.3(BBS7):c.718G>A (p.Gly240Ser)

Gene: BBS7 (Bardet-Biedl syndrome 7; minus strand). Cytogenetic location: 4q27.
Variant type: single nucleotide variant.
Coding change: c.718G>A on transcript NM_176824.3 (MANE Select); coding-DNA position 718, G replaced by A.
Protein change: p.Gly240Ser; replaces glycine 240 with serine.
Molecular consequence: missense variant.
Genome position (GRCh38, 1-based): chr4:121,854,704, C>T on the plus strand (G>A on the coding strand, the complement: BBS7 is on the minus strand). VCF-style: chr4-121854704-C-T. GRCh37 (hg19) VCF-style: chr4-122775859-C-T.
Other names: c.718G>A, p.Gly240Ser (NM_018190.4); c.718G>A (NM_176824.2); short protein forms G240S.
Identifiers: ClinVar variation 2149889 (VCV002149889.2), dbSNP rs775790564, ClinGen allele CA3064431.

ClinVar aggregate classification (germline): Uncertain significance. Review status: criteria provided, single submitter (1 of 4 stars). 2 submissions from 2 submitters: Uncertain significance (1). 1 of the submissions does not count toward it. Last evaluated 2021-12-30.

Conditions:
Bardet-Biedl syndrome (BBS). Identifiers: Orphanet 110, MedGen C0752166, MONDO:0015229.
BBS7-related disorder. Also called: BBS7-related condition.

Allele frequency attached by ClinVar (database versions not stated): ExAC 0.00001; gnomAD 0.00001; gnomAD exomes 0.00001.
gnomAD v4.1: 5 of 1,610,622 alleles (0.00031%); highest among the groups gnomAD compares: Non-Finnish European, 0.00017%; no homozygotes.

Submissions (2):

Labcorp Genetics (formerly Invitae), Labcorp
Classification: Uncertain significance for Bardet-Biedl syndrome. Last evaluated: 2021-12-30. Review status: criteria provided, single submitter. Criteria: Invitae Variant Classification Sherloc (09022015). Collection method: clinical testing. Allele origin: germline.
Comment: This sequence change replaces glycine, which is neutral and non-polar, with serine, which is neutral and polar, at codon 240 of the BBS7 protein (p.Gly240Ser). This variant also falls at the last nucleotide of exon 7, which is part of the consensus splice site for this exon. This variant is present in population databases (rs775790564, gnomAD 0.04%). This variant has not been reported in the literature in individuals affected with BBS7-related conditions. Algorithms developed to predict the effect of missense changes on protein structure and function (SIFT, PolyPhen-2, Align-GVGD) all suggest that this variant is likely to be tolerated. Variants that disrupt the consensus splice site are a relatively common cause of aberrant splicing (PMID: 17576681, 9536098). Algorithms developed to predict the effect of sequence changes on RNA splicing suggest that this variant may disrupt the consensus splice site. In summary, the available evidence is currently insufficient to determine the role of this variant in disease. Therefore, it has been classified as a Variant of Uncertain Significance.

PreventionGenetics, part of Exact Sciences
Classification: Uncertain significance for BBS7-related condition. Last evaluated: 2024-07-10. Review status: no assertion criteria provided. Collection method: clinical testing. Allele origin: germline. Not counted in ClinVar's aggregate classification.
Comment: The BBS7 c.718G>A variant is predicted to result in the amino acid substitution p.Gly240Ser. This substitution occurs at the last nucleotide of exon 7 and is predicted to affect the consensus splice site (SpliceAI, Jaganathan K, et al. 2019. PubMed ID: 30661751). To our knowledge, this variant has not been reported in the literature. This variant is reported in 0.039% of alleles in individuals of Ashkenazi Jewish descent in gnomAD. Although we suspect that this variant may be pathogenic, at this time, the clinical significance of this variant is uncertain due to the absence of conclusive functional and genetic evidence.

Literature cited by the submitters: PubMed 17576681 (cited by Labcorp Genetics (formerly Invitae), Labcorp); PubMed 9536098 (cited by Labcorp Genetics (formerly Invitae), Labcorp).